The following is an entry in ClinVar:

NM_001006658.3(CR2):c.2411C>T (p.Ser804Phe)

Gene: CR2 (complement C3d receptor 2; plus strand). Cytogenetic location: 1q32.2.
Variant type: single nucleotide variant.
Coding change: c.2411C>T on transcript NM_001006658.3 (MANE Select); coding-DNA position 2411, C replaced by T.
Protein change: p.Ser804Phe; replaces serine 804 with phenylalanine.
Molecular consequence: missense variant.
Genome position (GRCh38, 1-based): chr1:207,474,911, C>T. VCF-style: chr1-207474911-C-T. GRCh37 (hg19) VCF-style: chr1-207648256-C-T.
Other names: c.2234C>T, p.Ser745Phe (NM_001877.5); short protein forms S745F, S804F.
Identifiers: ClinVar variation 1420195 (VCV001420195.8), dbSNP rs1177912722, ClinGen allele CA344537736.

ClinVar aggregate classification (germline): Uncertain significance (1 of 4 stars; one submission).

Conditions:
Immunodeficiency, common variable, 7. Identifiers: Orphanet 1572, Orphanet 696894, MedGen C3542922, MONDO:0013862, OMIM 614699.

Submission:

Labcorp Genetics (formerly Invitae), Labcorp
Classification: Uncertain significance for Immunodeficiency, common variable, 7. Last evaluated: 2021-06-02. Review status: criteria provided, single submitter. Criteria: Invitae Variant Classification Sherloc (09022015). Collection method: clinical testing. Allele origin: germline.
Comment: This sequence change replaces serine with phenylalanine at codon 804 of the CR2 protein (p.Ser804Phe). The serine residue is moderately conserved and there is a large physicochemical difference between serine and phenylalanine. This variant is not present in population databases (ExAC no frequency). This variant has not been reported in the literature in individuals with CR2-related conditions. Algorithms developed to predict the effect of missense changes on protein structure and function output the following: SIFT: "Tolerated"; PolyPhen-2: "Benign"; Align-GVGD: "Class C0". The phenylalanine amino acid residue is found in multiple mammalian species, suggesting that this missense change does not adversely affect protein function. These predictions have not been confirmed by published functional studies and their clinical significance is uncertain. In summary, the available evidence is currently insufficient to determine the role of this variant in disease. Therefore, it has been classified as a Variant of Uncertain Significance.